The following is an entry in ClinVar:

ClinVar aggregate classification (germline): Benign/Likely benign. Review status: criteria provided, multiple submitters, no conflicts (2 of 4 stars). 8 submissions from 8 submitters: Benign (7); Likely benign (1). Last evaluated 2026-02-04.

Conditions:
Inborn genetic diseases. Identifiers: MedGen C0950123, MeSH D030342.
Congenital myasthenic syndrome 5. Identifiers: Orphanet 590, MedGen C1864233, MONDO:0011281, OMIM 603034.

Allele frequency attached by ClinVar (database versions not stated): ESP Exome Variant Server 0.02537; 1000 Genomes Project 0.02596; 1000 Genomes Project 30x 0.02701; TOPMed 0.02415.
gnomAD v4.1: 6,706 of 1,614,142 alleles (0.42%); highest among the groups gnomAD compares: African/African-American, 7.2%; 198 homozygotes.

Submissions (8):

Labcorp Genetics (formerly Invitae), Labcorp
Classification: Benign for Congenital myasthenic syndrome 5. Last evaluated: 2026-02-04. Review status: criteria provided, single submitter. Criteria: Invitae Variant Classification Sherloc (09022015). Collection method: clinical testing. Allele origin: germline.

Ambry Genetics
Classification: Likely benign for Inborn genetic diseases. Last evaluated: 2025-05-21. Review status: criteria provided, single submitter. Criteria: Ambry Variant Classification Scheme 2023. Collection method: clinical testing. Allele origin: germline.

Mayo Clinic Laboratories, Mayo Clinic
Classification: Benign. Last evaluated: 2023-09-26. Review status: criteria provided, single submitter. Criteria: ACMG Guidelines, 2015. Collection method: clinical testing. Allele origin: germline. Observed: 4 variant alleles.
Comment: BA1, BP4, BP7

Illumina Laboratory Services, Illumina
Classification: Benign for Congenital myasthenic syndrome 5. Last evaluated: 2018-01-12. Review status: criteria provided, single submitter. Criteria: ICSL Variant Classification Criteria 13 December 2019. Collection method: clinical testing. Allele origin: germline.
Comment: This variant was observed in the ICSL laboratory as part of a predisposition screen in an ostensibly healthy population. It had not been previously curated by ICSL or reported in the Human Gene Mutation Database (HGMD: prior to June 1st, 2018), and was therefore a candidate for classification through an automated scoring system. Utilizing variant allele frequency, disease prevalence and penetrance estimates, and inheritance mode, an automated score was calculated to assess if this variant is too frequent to cause the disease. Based on the score and internal cut-off values, a variant classified as benign is not then subjected to further curation. The score for this variant resulted in a classification of benign for this disease.

Athena Diagnostics
Classification: Benign. Last evaluated: 2017-11-07. Review status: criteria provided, single submitter. Criteria: Athena Diagnostics Criteria. Collection method: clinical testing. Allele origin: germline.

GeneDx
Classification: Benign. Last evaluated: 2017-11-06. Review status: criteria provided, single submitter. Criteria: GeneDx Variant Classification (06012015). Collection method: clinical testing. Allele origin: germline. Affected: yes.
Comment: This variant is considered likely benign or benign based on one or more of the following criteria: it is a conservative change, it occurs at a poorly conserved position in the protein, it is predicted to be benign by multiple in silico algorithms, and/or has population frequency not consistent with disease.

Breakthrough Genomics
Classification: Benign. Review status: criteria provided, single submitter. Criteria: ACMG Guidelines, 2015. Collection method: not provided. Allele origin: germline. Inheritance: Autosomal recessive inheritance. Affected: yes.

PreventionGenetics, part of Exact Sciences
Classification: Benign. Review status: criteria provided, single submitter. Criteria: ACMG Guidelines, 2015. Collection method: clinical testing. Allele origin: germline.

NM_005677.4(COLQ):c.1338C>A (p.Ile446=)

Gene: COLQ (collagen like tail subunit of asymmetric acetylcholinesterase; minus strand). Cytogenetic location: 3p25.1.
Variant type: single nucleotide variant.
Coding change: c.1338C>A on transcript NM_005677.4 (MANE Select); coding-DNA position 1338, C replaced by A.
Protein change: p.Ile446=; no amino-acid change (isoleucine 446 retained).
Molecular consequence: synonymous variant.
Genome position (GRCh38, 1-based): chr3:15,451,674, G>T on the plus strand (C>A on the coding strand, the complement: COLQ is on the minus strand). VCF-style: chr3-15451674-G-T. GRCh37 (hg19) VCF-style: chr3-15493181-G-T.
Other names: p.Ile446=; c.1308C>A, p.Ile436= (NM_080538.2); c.1236C>A, p.Ile412= (NM_080539.4).
Identifiers: ClinVar variation 259855 (VCV000259855.20), dbSNP rs73818504, ClinGen allele CA2275777.
Genomic context (GRCh38, chr3:15,451,674, plus strand): 5'-GGGGCGCAGCCCACCTTCTCCTCACGGCCCTCAGGTGAAGTAGCGGCAGGGCGTGGAGTC[G>T]ATGTAGCAGTACTGGGTGCATTGCAGGTCTCCATATGACCTGAGGGAGGCAAAGACACGT-3'
Protein context (NP_005668.2, residues 436-455): GDLQCTQYCY[Ile446=]DSTPCRYFT